The following is an entry in ClinVar:

ClinVar aggregate classification (germline): Conflicting classifications of pathogenicity. Review status: criteria provided, conflicting classifications (1 of 4 stars). 5 submissions from 5 submitters: Pathogenic (1); Likely pathogenic (2); Uncertain significance (1). 1 of the submissions does not count toward it. Last evaluated 2022-08-21.

Conditions:
SLC25A38-related disorder. Also called: SLC25A38-related condition; SLC25A38-related disorders.
Sideroblastic anemia 2. Also called: Anemia, sideroblastic, 2, pyridoxine-refractory. Identifiers: Orphanet 260305, MedGen C4225425, MONDO:0008785, OMIM 205950.

Allele frequency attached by ClinVar (database versions not stated): ExAC 0.00001; TOPMed 0.00001.
gnomAD v4.1: 12 of 1,614,086 alleles (0.00074%); highest among the groups gnomAD compares: African/African-American, 0.0013%; no homozygotes.

Submissions (5):

Labcorp Genetics (formerly Invitae), Labcorp
Classification: Uncertain significance. Last evaluated: 2022-08-21. Review status: criteria provided, single submitter. Criteria: Invitae Variant Classification Sherloc (09022015). Collection method: clinical testing. Allele origin: germline.
Comment: This sequence change replaces arginine, which is basic and polar, with proline, which is neutral and non-polar, at codon 187 of the SLC25A38 protein (p.Arg187Pro). This variant is present in population databases (rs121918331, gnomAD 0.007%). This missense change has been observed in individual(s) with congenital sideroblastic anemia (PMID: 19412178). This variant is also known as c.937G>C. ClinVar contains an entry for this variant (Variation ID: 1120). Algorithms developed to predict the effect of missense changes on protein structure and function (SIFT, PolyPhen-2, Align-GVGD) all suggest that this variant is likely to be disruptive. In summary, the available evidence is currently insufficient to determine the role of this variant in disease. Therefore, it has been classified as a Variant of Uncertain Significance.

Blueprint Genetics
Classification: Likely pathogenic for SLC25A38-related disorders. Last evaluated: 2022-08-02. Review status: criteria provided, single submitter. Criteria: ACMG Guidelines, 2015. Collection method: clinical testing. Allele origin: germline. Affected: yes. Observed: 1 variant allele.

Mark Fleming Laboratory, Boston Children's Hospital
Classification: Pathogenic for Sideroblastic anemia 2. Last evaluated: 2021-06-01. Review status: criteria provided, single submitter. Criteria: ACMG Guidelines, 2015. Collection method: research. Allele origin: germline. Affected: yes.

Illumina Laboratory Services, Illumina
Classification: Likely pathogenic for Sideroblastic anemia 2. Last evaluated: 2018-11-09. Review status: criteria provided, single submitter. Criteria: ICSL Variant Classification Criteria 09 May 2019. Collection method: clinical testing. Allele origin: germline.
Comment: The SLC25A38 c.560G>C (p.Arg187Pro) missense variant has been reported in three studies and has been found in five individuals, including a sibling pair, with congenital sideroblastic anemia. One individual was homozygous for the variant while the others were compound heterozygous for the variant (Guernsey et al. 2009; Kannengiesser et al. 2011; An et al. 2015). The SLC25A38 p.Arg187Pro variant was absent from 251 healthy population controls but is reported at a frequency of 0.000116 in the European American population of the Exome Sequencing Project, however this is based on a single allele in a region of good sequencing coverage and the variant is presumed to be rare. Based on the evidence, the SLC25A38 p.Arg187Pro variant is classified as likely pathogenic for pyridoxine-refractory sideroblastic anemia. This variant was observed by ICSL as part of a predisposition screen in an ostensibly healthy population.

OMIM
Classification: Pathogenic for ANEMIA, SIDEROBLASTIC, 2, PYRIDOXINE-REFRACTORY. Last evaluated: 2009-06-01. Review status: no assertion criteria provided. Collection method: literature only. Allele origin: germline. Not counted in ClinVar's aggregate classification.

Literature cited by the submitters: PubMed 19412178 (cited by 4 submitters); PubMed 25985931 (cited by Illumina Laboratory Services, Illumina); PubMed 21393332 (cited by Illumina Laboratory Services, Illumina).

NM_017875.4(SLC25A38):c.560G>C (p.Arg187Pro)

Gene: SLC25A38 (solute carrier family 25 member 38; plus strand). Cytogenetic location: 3p22.1.
Variant type: single nucleotide variant.
Coding change: c.560G>C on transcript NM_017875.4 (MANE Select); coding-DNA position 560, G replaced by C.
Protein change: p.Arg187Pro; replaces arginine 187 with proline.
Molecular consequence: missense variant.
Genome position (GRCh38, 1-based): chr3:39,391,956, G>C. VCF-style: chr3-39391956-G-C. GRCh37 (hg19) VCF-style: chr3-39433447-G-C.
Other names: c.560G>C, p.Arg187Pro (LRG_1133t1, NM_001354798.2); short protein forms R187P.
Identifiers: ClinVar variation 1120 (VCV000001120.8), dbSNP rs121918331, ClinGen allele CA114773.